The following is an entry in ClinVar:

ClinVar aggregate classification (germline): Uncertain significance (1 of 4 stars; one submission).

Conditions:
KAT6B-related disorder. Also called: KAT6B-related disorders; KAT6B-related condition.

Submission:

PreventionGenetics, part of Exact Sciences
Classification: Uncertain significance for KAT6B-related condition. Last evaluated: 2024-12-09. Review status: criteria provided, single submitter. Criteria: ACMG Guidelines, 2015. Collection method: clinical testing. Allele origin: germline.
Comment: The KAT6B c.4058A>G variant is predicted to result in the amino acid substitution p.Glu1353Gly. To our knowledge, this variant has not been reported in the literature or in a large population database (gnomAD), indicating this variant is rare. At this time, the clinical significance of this variant is uncertain due to the absence of conclusive functional and genetic evidence.

NM_012330.4(KAT6B):c.4058A>G (p.Glu1353Gly)

Gene: KAT6B (lysine acetyltransferase 6B; plus strand). Cytogenetic location: 10q22.2.
Variant type: single nucleotide variant.
Coding change: c.4058A>G on transcript NM_012330.4 (MANE Select); coding-DNA position 4058, A replaced by G.
Protein change: p.Glu1353Gly; replaces glutamic acid 1353 with glycine.
Molecular consequence: missense variant.
Genome position (GRCh38, 1-based): chr10:75,028,882, A>G. VCF-style: chr10-75028882-A-G. GRCh37 (hg19) VCF-style: chr10-76788640-A-G.
Other names: c.3509A>G, p.Glu1170Gly (NM_001256468.2, NM_001370138.1); c.3182A>G, p.Glu1061Gly (NM_001256469.2, NM_001370139.1, NM_001370140.1 and 2 more transcripts); c.3020A>G, p.Glu1007Gly (NM_001370132.1); c.2369A>G, p.Glu790Gly (NM_001370133.1); c.1973A>G, p.Glu658Gly (NM_001370134.1); c.1715A>G, p.Glu572Gly (NM_001370135.1); c.4058A>G, p.Glu1353Gly (NM_001370136.1, NM_001370137.1); c.2993A>G, p.Glu998Gly (NM_001370143.1, NM_001370144.1); short protein forms E1061G, E1170G, E790G, E1353G, E998G, E1007G, E572G, E658G.
Identifiers: ClinVar variation 4999863 (VCV004999863.1).